The following is an entry in ClinVar:

NM_000540.3(RYR1):c.9681G>A (p.Arg3227=)

Gene: RYR1 (ryanodine receptor 1; plus strand). Cytogenetic location: 19q13.2.
Variant type: single nucleotide variant.
Coding change: c.9681G>A on transcript NM_000540.3 (MANE Select); coding-DNA position 9681, G replaced by A.
Protein change: p.Arg3227=; no amino-acid change (arginine 3227 retained).
Molecular consequence: synonymous variant.
Genome position (GRCh38, 1-based): chr19:38,516,213, G>A. VCF-style: chr19-38516213-G-A. GRCh37 (hg19) VCF-style: chr19-39006853-G-A.
Other names: c.9681G>A, p.Arg3227= (NM_001042723.2).
Identifiers: ClinVar variation 3070580 (VCV003070580.2), dbSNP rs1374179361, ClinGen allele CA507247007.

ClinVar aggregate classification (germline): Likely benign. Review status: criteria provided, multiple submitters, no conflicts (2 of 4 stars). 2 submissions from 2 submitters: Likely benign (2). Last evaluated 2023-04-28.

Conditions:
Malignant hyperthermia, susceptibility to, 1 (MHS1). Also called: Anesthesia related hyperthermia; Malignant hyperpyrexia; Fulminating hyperpyrexia; Pharmacogenic myopathy; RYR1-Related Malignant Hyperthermia Susceptibility; Malignant hyperthermia suceptibility 1. Identifiers: Orphanet 423, MedGen C2930980, MONDO:0007783, OMIM 145600.

Allele frequency attached by ClinVar (database versions not stated): TOPMed below 0.00001; gnomAD 0.00001; gnomAD exomes 0.00001.
gnomAD v4.1: 4 of 1,586,338 alleles (0.00025%); highest among the groups gnomAD compares: Admixed American, 0.0018%; no homozygotes.

Submissions (2):

All of Us Research Program, National Institutes of Health
Classification: Likely benign for Malignant hyperthermia, susceptibility to, 1. Last evaluated: 2023-04-28. Review status: criteria provided, single submitter. Criteria: ACMG Guidelines, 2015. Collection method: clinical testing. Allele origin: germline. Inheritance: Autosomal dominant inheritance. Observed: 1 variant allele, 1 heterozygote.
Comment: This study involves interpretation of variants in research participants for the purpose of population health screening. Participant phenotype was not available at the time of variant classification. Additional details can be found in publication PMID: 35346344, PMCID: PMC8962531

Color Diagnostics, LLC DBA Color Health
Classification: Likely benign for Malignant hyperthermia, susceptibility to, 1. Last evaluated: 2023-04-20. Review status: criteria provided, single submitter. Criteria: ACMG Guidelines, 2015. Collection method: clinical testing. Allele origin: germline.